The following is an entry in ClinVar:

NM_001159702.3(FHL1):c.797G>A (p.Arg266Gln)

Gene: FHL1 (four and a half LIM domains 1; plus strand). Cytogenetic location: Xq26.3.
Variant type: single nucleotide variant.
Coding change: c.797G>A on transcript NM_001159702.3 (MANE Plus Clinical); coding-DNA position 797, G replaced by A.
Protein change: p.Arg266Gln; replaces arginine 266 with glutamine.
Molecular consequence: missense variant. On other transcripts: intron variant (11).
Genome position (GRCh38, 1-based): chrX:136,209,351, G>A. VCF-style: chrX-136209351-G-A. GRCh37 (hg19) VCF-style: chrX-135291510-G-A.
Other names: c.797G>A, p.Arg266Gln (NM_001369326.1, NM_001369327.2, NM_001369328.1); c.689-520G>A (NM_001449.5, NM_001369329.1, NM_001369330.1 and 4 more transcripts); c.502-520G>A (NM_001159703.2); c.776-520G>A (NM_001159701.2); c.737-520G>A (NM_001159699.2); c.550-520G>A (NM_001330659.2); short protein forms R266Q.
Identifiers: ClinVar variation 391709 (VCV000391709.7), dbSNP rs199818971, ClinGen allele CA10525076.

ClinVar aggregate classification (germline): Uncertain significance. Review status: criteria provided, multiple submitters, no conflicts (2 of 4 stars). 2 submissions from 2 submitters: Uncertain significance (2). Last evaluated 2025-07-11.

Conditions:
X-linked myopathy with postural muscle atrophy. Also called: FHL1-Related Emery-Dreifuss Muscular Dystrophy, X-Linked. Identifiers: Orphanet 178461, MedGen C2678055, MONDO:0010401, OMIM 300696.

Allele frequency attached by ClinVar (database versions not stated): gnomAD exomes 0.00001 and 0.00003; ExAC 0.00001; gnomAD 0.00001; TOPMed 0.00002.
gnomAD v4.1: 34 of 1,208,996 alleles (0.0028%); highest among the groups gnomAD compares: Non-Finnish European, 0.0034%; no homozygotes.

Submissions (2):

GeneDx
Classification: Uncertain significance. Last evaluated: 2025-07-11. Review status: criteria provided, single submitter. Criteria: GeneDx Variant Classification Process June 2021. Collection method: clinical testing. Allele origin: germline. Affected: yes.
Comment: In silico analysis suggests that this missense variant does not alter protein structure/function; Reported using an alternate transcript of the gene; Has not been previously published as pathogenic or benign to our knowledge

Labcorp Genetics (formerly Invitae), Labcorp
Classification: Uncertain significance for X-linked myopathy with postural muscle atrophy. Last evaluated: 2021-09-02. Review status: criteria provided, single submitter. Criteria: Invitae Variant Classification Sherloc (09022015). Collection method: clinical testing. Allele origin: germline.